The following is an entry in ClinVar:

ClinVar aggregate classification (germline): Uncertain significance (1 of 4 stars; one submission).

Conditions:
Neutropenia, severe congenital, 2, autosomal dominant. Identifiers: Orphanet 486, MedGen C2751288, MONDO:0013139, OMIM 613107.

Submission:

Labcorp Genetics (formerly Invitae), Labcorp
Classification: Uncertain significance for Neutropenia, severe congenital, 2, autosomal dominant. Last evaluated: 2024-08-08. Review status: criteria provided, single submitter. Criteria: Invitae Variant Classification Sherloc (09022015). Collection method: clinical testing. Allele origin: germline.
Comment: This sequence change replaces threonine, which is neutral and polar, with isoleucine, which is neutral and non-polar, at codon 385 of the GFI1 protein (p.Thr385Ile). This variant is not present in population databases (gnomAD no frequency). This variant has not been reported in the literature in individuals affected with GFI1-related conditions. Advanced modeling of protein sequence and biophysical properties (such as structural, functional, and spatial information, amino acid conservation, physicochemical variation, residue mobility, and thermodynamic stability) performed at Invitae indicates that this missense variant is expected to disrupt GFI1 protein function with a positive predictive value of 80%. In summary, the available evidence is currently insufficient to determine the role of this variant in disease. Therefore, it has been classified as a Variant of Uncertain Significance.

NM_005263.5(GFI1):c.1154C>T (p.Thr385Ile)

Genes: GFI1 (growth factor independent 1 transcriptional repressor; minus strand), LOC129930930 (ATAC-STARR-seq lymphoblastoid active region 1314; plus strand). Cytogenetic location: 1p22.1.
Variant type: single nucleotide variant.
Coding change: c.1154C>T on transcript NM_005263.5 (MANE Select); coding-DNA position 1154, C replaced by T.
Protein change: p.Thr385Ile; replaces threonine 385 with isoleucine.
Molecular consequence: missense variant.
Genome position (GRCh38, 1-based): chr1:92,476,144, G>A on the plus strand (C>T on the coding strand, the complement: GFI1 is on the minus strand). VCF-style: chr1-92476144-G-A. GRCh37 (hg19) VCF-style: chr1-92941701-G-A.
Other names: c.1154C>T, p.Thr385Ile (NM_001127215.3, NM_001127216.3); short protein forms T385I.
Identifiers: ClinVar variation 3661815 (VCV003661815.2).